The following is an entry in ClinVar:

NM_015910.7(WDPCP):c.428G>A (p.Gly143Glu)

Gene: WDPCP (WD repeat containing planar cell polarity effector; minus strand). Cytogenetic location: 2p15.
Variant type: single nucleotide variant.
Coding change: c.428G>A on transcript NM_015910.7 (MANE Select); coding-DNA position 428, G replaced by A.
Protein change: p.Gly143Glu; replaces glycine 143 with glutamic acid.
Molecular consequence: missense variant. On other transcripts: non-coding transcript variant (2).
Genome position (GRCh38, 1-based): chr2:63,439,828, C>T on the plus strand (G>A on the coding strand, the complement: WDPCP is on the minus strand). VCF-style: chr2-63439828-C-T. GRCh37 (hg19) VCF-style: chr2-63666962-C-T.
Other names: c.356G>A, p.Gly119Glu (NM_001354044.2); c.428G>A, p.Gly143Glu (NM_001354045.2); short protein forms G143E, G119E.
Identifiers: ClinVar variation 1036018 (VCV001036018.8), dbSNP rs1697385242, ClinGen allele CA347064137.

ClinVar aggregate classification (germline): Uncertain significance (1 of 4 stars; one submission).

Conditions:
Bardet-Biedl syndrome (BBS). Identifiers: Orphanet 110, MedGen C0752166, MONDO:0015229.

Allele frequency attached by ClinVar (database versions not stated): gnomAD exomes below 0.00001.
gnomAD v4.1: 1 of 1,613,160 alleles (0.000062%); no homozygotes.

Submission:

Labcorp Genetics (formerly Invitae), Labcorp
Classification: Uncertain significance for Bardet-Biedl syndrome. Last evaluated: 2026-01-12. Review status: criteria provided, single submitter. Criteria: Invitae Variant Classification Sherloc (09022015). Collection method: clinical testing. Allele origin: germline.
Comment: This sequence change replaces glycine, which is neutral and non-polar, with glutamic acid, which is acidic and polar, at codon 143 of the WDPCP protein (p.Gly143Glu). This variant is not present in population databases (gnomAD no frequency). This variant has not been reported in the literature in individuals affected with WDPCP-related conditions. ClinVar contains an entry for this variant (Variation ID: 1036018). Invitae Evidence Modeling of protein sequence and biophysical properties (such as structural, functional, and spatial information, amino acid conservation, physicochemical variation, residue mobility, and thermodynamic stability) has been performed for this missense variant. However, the output from this modeling did not meet the statistical confidence thresholds required to predict the impact of this variant on WDPCP protein function. In summary, the available evidence is currently insufficient to determine the role of this variant in disease. Therefore, it has been classified as a Variant of Uncertain Significance.